The following is an entry in ClinVar:

ClinVar aggregate classification (germline): Uncertain significance (1 of 4 stars; one submission).

Conditions:
Brugada syndrome. Also called: Sudden unexpected nocturnal death syndrome; Sudden unexplained nocturnal death syndrome; Sudden Unexplained Death Syndrome; Sudden Unexplained Nocturnal Death Syndrome (SUNDS). Identifiers: Orphanet 130, MedGen C1142166, MONDO:0015263.

Submission:

Labcorp Genetics (formerly Invitae), Labcorp
Classification: Uncertain significance for Brugada syndrome. Last evaluated: 2018-11-02. Review status: criteria provided, single submitter. Criteria: Invitae Variant Classification Sherloc (09022015). Collection method: clinical testing. Allele origin: germline.
Comment: This variant has not been reported in the literature in individuals with SCN10A-related disease. This sequence change replaces aspartic acid with glutamic acid at codon 1679 of the SCN10A protein (p.Asp1679Glu). The aspartic acid residue is moderately conserved and there is a small physicochemical difference between aspartic acid and glutamic acid. This variant is not present in population databases (ExAC no frequency). Algorithms developed to predict the effect of missense changes on protein structure and function are either unavailable or do not agree on the potential impact of this missense change (SIFT: "Deleterious"; PolyPhen-2: "Probably Damaging"; Align-GVGD: "Class C0"). In summary, the available evidence is currently insufficient to determine the role of this variant in disease. Therefore, it has been classified as a Variant of Uncertain Significance.

NM_006514.4(SCN10A):c.5037C>A (p.Asp1679Glu)

Gene: SCN10A (sodium voltage-gated channel alpha subunit 10; minus strand). Cytogenetic location: 3p22.2.
Variant type: single nucleotide variant.
Coding change: c.5037C>A on transcript NM_006514.4 (MANE Select); coding-DNA position 5037, C replaced by A.
Protein change: p.Asp1679Glu; replaces aspartic acid 1679 with glutamic acid.
Molecular consequence: missense variant.
Genome position (GRCh38, 1-based): chr3:38,698,183, G>T on the plus strand (C>A on the coding strand, the complement: SCN10A is on the minus strand). VCF-style: chr3-38698183-G-T. GRCh37 (hg19) VCF-style: chr3-38739674-G-T.
Other names: c.5034C>A, p.Asp1678Glu (NM_001293306.2); c.4743C>A, p.Asp1581Glu (NM_001293307.2); short protein forms D1679E, D1581E, D1678E.
Identifiers: ClinVar variation 660336 (VCV000660336.5), dbSNP rs1575916731, ClinGen allele CA352154808.